The following is an entry in ClinVar:

ClinVar aggregate classification (germline): Likely pathogenic (1 of 4 stars; one submission).

Conditions:
Usher syndrome type 2C. Also called: Usher syndrome, type 2B; USHER SYNDROME, TYPE IIC. Identifiers: Orphanet 231178, Orphanet 886, MedGen C2931213, MONDO:0011558, OMIM 605472.

Submission:

Ocular Genomics Institute, Massachusetts Eye and Ear
Classification: Likely pathogenic for Usher syndrome type 2C. Last evaluated: 2021-04-08. Review status: criteria provided, single submitter. Criteria: ACMG Guidelines, 2015. Collection method: research. Allele origin: germline. Affected: yes.
Comment: Through a review of available evidence we were able to apply the following criteria: PVS1, PM2. Based on this evidence we have classified this variant as Likely Pathogenic.

NM_032119.4(ADGRV1):c.12380_12381del (p.Glu4127fs)

Gene: ADGRV1 (adhesion G protein-coupled receptor V1; plus strand). Cytogenetic location: 5q14.3.
Variant type: Deletion.
Coding change: c.12380_12381del on transcript NM_032119.4 (MANE Select); coding-DNA positions 12380 to 12381, 2 bases deleted (AG; older notation c.12380_12381delAG).
Protein change: p.Glu4127fs; shifts the reading frame from glutamic acid 4127.
Molecular consequence: frameshift variant. On other transcripts: non-coding transcript variant (1).
Genome position (GRCh38, 1-based): chr5:90,774,280-90,774,281, AG deleted; deleting any 2 consecutive bases within chr5:90,774,279-90,774,281 gives the same sequence; the c. name uses the placement nearest the transcript's 3' end. VCF-style (leftmost placement, unchanged base first): chr5-90774278-TGA-T. GRCh37 (hg19) VCF-style: chr5-90070095-TGA-T.
Other names: short protein forms E4127fs.
Identifiers: ClinVar variation 1065642 (VCV001065642.1), dbSNP rs2150063224, ClinGen allele CA2499217992.